The following is an entry in ClinVar:

ClinVar aggregate classification (germline): Uncertain significance (1 of 4 stars; one submission).

gnomAD v4.1: 12 of 1,614,136 alleles (0.00074%); highest among the groups gnomAD compares: African/African-American, 0.0013%; no homozygotes.

Submission:

Ambry Genetics
Classification: Uncertain significance. Last evaluated: 2025-06-21. Review status: criteria provided, single submitter. Criteria: Ambry Variant Classification Scheme 2023. Collection method: clinical testing. Allele origin: germline.
Comment: The p.N160S variant (also known as c.479A>G), located in coding exon 4 of the SRP72 gene, results from an A to G substitution at nucleotide position 479. The asparagine at codon 160 is replaced by serine, an amino acid with highly similar properties. This amino acid position is conserved. In addition, this alteration is predicted to be tolerated by in silico analysis. Based on the available evidence, the clinical significance of this variant remains unclear.

NM_006947.4(SRP72):c.479A>G (p.Asn160Ser)

Gene: SRP72 (signal recognition particle 72; plus strand). Cytogenetic location: 4q12.
Variant type: single nucleotide variant.
Coding change: c.479A>G on transcript NM_006947.4 (MANE Select); coding-DNA position 479, A replaced by G.
Protein change: p.Asn160Ser; replaces asparagine 160 with serine.
Molecular consequence: missense variant. On other transcripts: non-coding transcript variant (1).
Genome position (GRCh38, 1-based): chr4:56,474,178, A>G. VCF-style: chr4-56474178-A-G. GRCh37 (hg19) VCF-style: chr4-57340344-A-G.
Other names: c.479A>G, p.Asn160Ser (NM_001267722.2); short protein forms N160S.
Identifiers: ClinVar variation 4174901 (VCV004174901.1).